The following is an entry in ClinVar:

ClinVar aggregate classification (germline): Uncertain significance (1 of 4 stars; one submission).

Conditions:
Familial thoracic aortic aneurysm and aortic dissection (TAAD). Also called: Thoracic aortic aneurysms and dissections. Identifiers: Orphanet 91387, MedGen C4707243, MONDO:0019625.

gnomAD v4.1: 13 of 1,608,992 alleles (0.00081%); highest among the groups gnomAD compares: East Asian, 0.0045%; no homozygotes.

Submission:

Ambry Genetics
Classification: Uncertain significance for Familial thoracic aortic aneurysm and aortic dissection. Last evaluated: 2024-08-08. Review status: criteria provided, single submitter. Criteria: Ambry Variant Classification Scheme 2023. Collection method: clinical testing. Allele origin: germline.
Comment: The p.R2120H variant (also known as c.6359G>A), located in coding exon 34 of the NOTCH1 gene, results from a G to A substitution at nucleotide position 6359. The arginine at codon 2120 is replaced by histidine, an amino acid with highly similar properties. This amino acid position is well conserved in available vertebrate species. In addition, the in silico prediction for this alteration is inconclusive. Based on the available evidence, the clinical significance of this variant remains unclear.

NM_017617.5(NOTCH1):c.6359G>A (p.Arg2120His)

Gene: NOTCH1 (notch receptor 1; minus strand). Cytogenetic location: 9q34.3.
Variant type: single nucleotide variant.
Coding change: c.6359G>A on transcript NM_017617.5 (MANE Select); coding-DNA position 6359, G replaced by A.
Protein change: p.Arg2120His; replaces arginine 2120 with histidine.
Molecular consequence: missense variant.
Genome position (GRCh38, 1-based): chr9:136,497,380, C>T on the plus strand (G>A on the coding strand, the complement: NOTCH1 is on the minus strand). VCF-style: chr9-136497380-C-T. GRCh37 (hg19) VCF-style: chr9-139391832-C-T.
Other names: short protein forms R2120H.
Identifiers: ClinVar variation 3406819 (VCV003406819.1).
Genomic context (GRCh38, chr9:136,497,380, plus strand): 5'-CAGAGCGGGGGCGACAGGGTGGGCGTGCCCCCCAGCGGGGCTCCGTGCAGCTGCGGGCTG[C>T]GCACCAGGTTGTACTCGTCCAGCAGCCTCACGATGTCGTGATGCATGCGCTCCTGTGCGA-3'
Protein context (NP_060087.3, residues 2110-2130): VRLLDEYNLV[Arg2120His]SPQLHGAPLG